The following is an entry in ClinVar:

ClinVar aggregate classification (germline): Pathogenic (1 of 4 stars; one submission).

Conditions:
Hereditary cancer-predisposing syndrome. Also called: Hereditary Cancer Syndrome; Neoplastic Syndromes, Hereditary; Hereditary neoplastic syndrome; Tumor predisposition. Identifiers: Orphanet 140162, MedGen C0027672, MeSH D009386, MONDO:0015356.

Submission:

Ambry Genetics
Classification: Pathogenic for Hereditary cancer-predisposing syndrome. Last evaluated: 2014-07-16. Review status: criteria provided, single submitter. Criteria: Ambry Variant Classification Scheme 2023. Collection method: clinical testing. Allele origin: germline.
Comment: The c.967delT pathogenic mutation, located in coding exon 6 of the MEN1 gene, results from a deletion of one nucleotide at nucleotide position 967, causing a translational frameshift with a predicted alternate stop codon. Since frameshifts are typically deleterious in nature, this alteration is interpreted as a disease-causing mutation (ACMG Recommendations for Standards for Interpretation and Reporting of Sequence Variations. Revision 2007. Genet Med. 2008;10:294).

NM_001370259.2(MEN1):c.967del (p.Tyr323fs)

Gene: MEN1 (menin 1; minus strand). Cytogenetic location: 11q13.1.
Variant type: Deletion.
Coding change: c.967del on transcript NM_001370259.2 (MANE Select); coding-DNA position 967, one base deleted (T; older notation c.967delT).
Protein change: p.Tyr323fs; shifts the reading frame from tyrosine 323.
Molecular consequence: frameshift variant.
Genome position (GRCh38, 1-based): chr11:64,806,314, A deleted on the plus strand (T on the coding strand, the reverse complement: MEN1 is on the minus strand). VCF-style (leftmost placement, unchanged base first): chr11-64806313-TA-T. GRCh37 (hg19) VCF-style: chr11-64573785-TA-T.
Other names: c.967delT (NM_130799.2); c.982del, p.Tyr328fs (NM_000244.4, NM_130800.3, NM_130801.3 and 3 more transcripts); c.967del, p.Tyr323fs (NM_001370251.2, NM_001370260.2, NM_001370261.2 and 1 more transcripts); c.862del, p.Tyr288fs (NM_001370262.2, NM_001370263.2); short protein forms Y323fs, Y328fs, Y288fs.
Identifiers: ClinVar variation 428088 (VCV000428088.6), dbSNP rs1114167541, ClinGen allele CA645369581.